The following is an entry in ClinVar:

NM_004855.5(PIGB):c.522+1G>T

Gene: PIGB (phosphatidylinositol glycan anchor biosynthesis class B; plus strand). Cytogenetic location: 15q21.3.
Variant type: single nucleotide variant.
Coding change: c.522+1G>T on transcript NM_004855.5 (MANE Select); the canonical splice donor site of the intron after coding-DNA position 522, G replaced by T.
Molecular consequence: splice donor variant.
Genome position (GRCh38, 1-based): chr15:55,327,636, G>T. VCF-style: chr15-55327636-G-T. GRCh37 (hg19) VCF-style: chr15-55619834-G-T.
Identifiers: ClinVar variation 2776210 (VCV002776210.5), dbSNP rs763399137, ClinGen allele CA7573858.

ClinVar aggregate classification (germline): Conflicting classifications of pathogenicity. Review status: criteria provided, conflicting classifications (1 of 4 stars). 3 submissions from 3 submitters: Likely pathogenic (2); Uncertain significance (1). Last evaluated 2025-02-28.

Conditions:
PIGB-related disorder. Also called: PIGB-related condition.
Developmental and epileptic encephalopathy, 80. Also called: EPILEPTIC ENCEPHALOPATHY, EARLY INFANTILE, 80; GLYCOSYLPHOSPHATIDYLINOSITOL BIOSYNTHESIS DEFECT 20. Identifiers: MedGen C5231418, MONDO:0032822, OMIM 618580.

Allele frequency attached by ClinVar (database versions not stated): TOPMed below 0.00001; gnomAD 0.00001.
gnomAD v4.1: 8 of 1,567,968 alleles (0.00051%); highest among the groups gnomAD compares: Non-Finnish European, 0.00061%; no homozygotes.

Submissions (3):

Revvity Omics, Revvity
Classification: Uncertain significance for Developmental and epileptic encephalopathy, 80. Last evaluated: 2025-02-28. Review status: criteria provided, single submitter. Criteria: ACMG Guidelines, 2015. Collection method: clinical testing. Allele origin: germline.

Labcorp Genetics (formerly Invitae), Labcorp
Classification: Likely pathogenic. Last evaluated: 2023-04-17. Review status: criteria provided, single submitter. Criteria: Invitae Variant Classification Sherloc (09022015). Collection method: clinical testing. Allele origin: germline.
Comment: In summary, the currently available evidence indicates that the variant is pathogenic, but additional data are needed to prove that conclusively. Therefore, this variant has been classified as Likely Pathogenic. Algorithms developed to predict the effect of sequence changes on RNA splicing suggest that this variant may disrupt the consensus splice site. This variant has not been reported in the literature in individuals affected with PIGB-related conditions. This variant is present in population databases (rs763399137, gnomAD 0.003%). This sequence change affects a donor splice site in intron 4 of the PIGB gene. It is expected to disrupt RNA splicing. Variants that disrupt the donor or acceptor splice site typically lead to a loss of protein function (PMID: 16199547), and loss-of-function variants in PIGB are known to be pathogenic (PMID: 31256876, 34400385).

Blueprint Genetics
Classification: Likely pathogenic for PIGB-related disorders. Last evaluated: 2021-09-20. Review status: criteria provided, single submitter. Criteria: ACMG Guidelines, 2015. Collection method: clinical testing. Allele origin: germline. Affected: yes. Observed: 1 variant allele.

Literature cited by the submitters: PubMed 16199547 (cited by Labcorp Genetics (formerly Invitae), Labcorp); PubMed 31256876 (cited by Labcorp Genetics (formerly Invitae), Labcorp); PubMed 34400385 (cited by Labcorp Genetics (formerly Invitae), Labcorp).